The following is an entry in ClinVar:

NM_016247.4(IMPG2):c.1219G>T (p.Ala407Ser)

Gene: IMPG2 (interphotoreceptor matrix proteoglycan 2; minus strand). Cytogenetic location: 3q12.3.
Variant type: single nucleotide variant.
Coding change: c.1219G>T on transcript NM_016247.4 (MANE Select); coding-DNA position 1219, G replaced by T.
Protein change: p.Ala407Ser; replaces alanine 407 with serine.
Molecular consequence: missense variant.
Genome position (GRCh38, 1-based): chr3:101,253,716, C>A on the plus strand (G>T on the coding strand, the complement: IMPG2 is on the minus strand). VCF-style: chr3-101253716-C-A. GRCh37 (hg19) VCF-style: chr3-100972560-C-A.
Other names: short protein forms A407S.
Identifiers: ClinVar variation 901977 (VCV000901977.10), dbSNP rs199986912, ClinGen allele CA2519248.
Genomic context (GRCh38, chr3:101,253,716, plus strand): 5'-GCTTGAGGGCCTGGTTCTAGCATAAAACATAAAAACATACCAGAATAGATGACGGCGTTG[C>A]CTGAAGACTTGAACTTTGGGTGTTCCAAACTAGATCTTCAGTTTGGTGACGCAAAACTCC-3'
Protein context (NP_057331.2, residues 397-417): VWNTQSSSLQ[Ala407Ser]TPSSILDNTF

ClinVar aggregate classification (germline): Conflicting classifications of pathogenicity. Review status: criteria provided, conflicting classifications (1 of 4 stars). 4 submissions from 4 submitters: Uncertain significance (2); Benign (1); Likely benign (1). Last evaluated 2023-10-01.

Conditions:
Retinal dystrophy. Also called: Inherited retinal dystrophy. Identifiers: Orphanet 71862, MedGen C0854723, MeSH D058499, MONDO:0019118, HP:0000556.
Retinitis pigmentosa (RP). Identifiers: Orphanet 791, MedGen C0035334, MeSH D012174, MONDO:0019200, OMIM 268000. Inheritance: Autosomal dominant, autosomal recessive and X linked inheritance.

Allele frequency attached by ClinVar (database versions not stated): gnomAD 0.00001 and 0.00005; TOPMed 0.00002; gnomAD exomes 0.00006 and 0.00017; ExAC 0.00009; 1000 Genomes Project 30x 0.00016; 1000 Genomes Project 0.00020.
gnomAD v4.1: 247 of 1,611,618 alleles (0.015%); highest among the groups gnomAD compares: East Asian, 0.55%; 4 homozygotes.

Submissions (4):

Dept Of Ophthalmology, Nagoya University
Classification: Benign for Retinal dystrophy. Last evaluated: 2023-10-01. Review status: criteria provided, single submitter. Criteria: Submitter's publication. Collection method: research. Allele origin: germline. Affected: yes.

Blueprint Genetics
Classification: Likely benign. Last evaluated: 2023-02-03. Review status: criteria provided, single submitter. Criteria: ACMG Guidelines, 2015. Collection method: clinical testing. Allele origin: germline.

Labcorp Genetics (formerly Invitae), Labcorp
Classification: Uncertain significance. Last evaluated: 2022-09-27. Review status: criteria provided, single submitter. Criteria: Invitae Variant Classification Sherloc (09022015). Collection method: clinical testing. Allele origin: germline.
Comment: This sequence change replaces alanine, which is neutral and non-polar, with serine, which is neutral and polar, at codon 407 of the IMPG2 protein (p.Ala407Ser). This variant is present in population databases (rs199986912, gnomAD 0.08%). This variant has not been reported in the literature in individuals affected with IMPG2-related conditions. ClinVar contains an entry for this variant (Variation ID: 901977). Advanced modeling of protein sequence and biophysical properties (such as structural, functional, and spatial information, amino acid conservation, physicochemical variation, residue mobility, and thermodynamic stability) performed at Invitae indicates that this missense variant is not expected to disrupt IMPG2 protein function. In summary, the available evidence is currently insufficient to determine the role of this variant in disease. Therefore, it has been classified as a Variant of Uncertain Significance.

Illumina Laboratory Services, Illumina
Classification: Uncertain significance for Retinitis pigmentosa. Last evaluated: 2017-04-27. Review status: criteria provided, single submitter. Criteria: ICSL Variant Classification Criteria 13 December 2019. Collection method: clinical testing. Allele origin: germline.